The following is an entry in ClinVar:

ClinVar aggregate classification (germline): Uncertain significance (1 of 4 stars; one submission).

Submission:

Labcorp Genetics (formerly Invitae), Labcorp
Classification: Uncertain significance. Last evaluated: 2021-08-23. Review status: criteria provided, single submitter. Criteria: Invitae Variant Classification Sherloc (09022015). Collection method: clinical testing. Allele origin: germline.
Comment: This sequence change replaces threonine with isoleucine at codon 1769 of the VCAN protein (p.Thr1769Ile). The threonine residue is highly conserved and there is a moderate physicochemical difference between threonine and isoleucine. This variant is not present in population databases (ExAC no frequency). In summary, the available evidence is currently insufficient to determine the role of this variant in disease. Therefore, it has been classified as a Variant of Uncertain Significance. Algorithms developed to predict the effect of missense changes on protein structure and function output the following: SIFT: "Deleterious"; PolyPhen-2: "Benign"; Align-GVGD: "Class C15". The isoleucine amino acid residue is found in multiple mammalian species, which suggests that this missense change does not adversely affect protein function. This variant has not been reported in the literature in individuals affected with VCAN-related conditions.

NM_004385.5(VCAN):c.5306C>T (p.Thr1769Ile)

Genes: VCAN (versican; plus strand), VCAN-AS1 (VCAN antisense RNA 1; minus strand). Cytogenetic location: 5q14.3.
Variant type: single nucleotide variant.
Coding change: c.5306C>T on transcript NM_004385.5 (MANE Select); coding-DNA position 5306, C replaced by T.
Protein change: p.Thr1769Ile; replaces threonine 1769 with isoleucine.
Molecular consequence: missense variant. On other transcripts: intron variant (2).
Genome position (GRCh38, 1-based): chr5:83,538,309, C>T. VCF-style: chr5-83538309-C-T. GRCh37 (hg19) VCF-style: chr5-82834128-C-T.
Other names: c.2345C>T, p.Thr782Ile (NM_001164097.2); c.4004-7228C>T (NM_001164098.2); c.1043-7228C>T (NM_001126336.3); short protein forms T782I, T1769I.
Identifiers: ClinVar variation 1470302 (VCV001470302.6), dbSNP rs1746810178, ClinGen allele CA360310120.